The following is an entry in ClinVar:

NM_002439.5(MSH3):c.1182G>T (p.Gln394His)

Gene: MSH3 (mutS homolog 3; plus strand). Cytogenetic location: 5q14.1.
Variant type: single nucleotide variant.
Coding change: c.1182G>T on transcript NM_002439.5 (MANE Select); coding-DNA position 1182, G replaced by T.
Protein change: p.Gln394His; replaces glutamine 394 with histidine.
Molecular consequence: missense variant.
Genome position (GRCh38, 1-based): chr5:80,678,935, G>T. VCF-style: chr5-80678935-G-T. GRCh37 (hg19) VCF-style: chr5-79974754-G-T.
Other names: short protein forms Q394H.
Identifiers: ClinVar variation 3874935 (VCV003874935.1).

ClinVar aggregate classification (germline): Uncertain significance (1 of 4 stars; one submission).

Conditions:
Hereditary cancer-predisposing syndrome. Also called: Tumor predisposition; Neoplastic Syndromes, Hereditary; Hereditary Cancer Syndrome; Hereditary neoplastic syndrome. Identifiers: Orphanet 140162, MedGen C0027672, MeSH D009386, MONDO:0015356.

Submission:

Ambry Genetics
Classification: Uncertain significance for Hereditary cancer-predisposing syndrome. Last evaluated: 2024-12-12. Review status: criteria provided, single submitter. Criteria: Ambry Variant Classification Scheme 2023. Collection method: clinical testing. Allele origin: germline.
Comment: The p.Q394H variant (also known as c.1182G>T), located in coding exon 8 of the MSH3 gene, results from a G to T substitution at nucleotide position 1182. The glutamine at codon 394 is replaced by histidine, an amino acid with highly similar properties. This amino acid position is conserved. In addition, this alteration is predicted to be deleterious by in silico analysis. Based on the available evidence, the clinical significance of this variant remains unclear.